The following is an entry in ClinVar:

NM_025207.5(FLAD1):c.524C>T (p.Thr175Ile)

Gene: FLAD1 (flavin adenine dinucleotide synthetase 1; plus strand). Cytogenetic location: 1q21.3.
Variant type: single nucleotide variant.
Coding change: c.524C>T on transcript NM_025207.5 (MANE Select); coding-DNA position 524, C replaced by T.
Protein change: p.Thr175Ile; replaces threonine 175 with isoleucine.
Molecular consequence: missense variant.
Genome position (GRCh38, 1-based): chr1:154,988,256, C>T. VCF-style: chr1-154988256-C-T. GRCh37 (hg19) VCF-style: chr1-154960732-C-T.
Other names: c.524C>T (NM_025207.4); c.233C>T, p.Thr78Ile (NM_001184891.2, NM_201398.3); c.227C>T, p.Thr76Ile (NM_001184892.2); short protein forms T76I, T175I, T78I.
Identifiers: ClinVar variation 3714510 (VCV003714510.3).
Genomic context (GRCh38, chr1:154,988,256, plus strand): 5'-AGGTAGCCACCATTGCAGCTGAGGTCACTTCTTTCTCCAACCGCTTCACCCATGTCCTCA[C>T]AGCAGGGGGCATCGGCCCCACTCATGATGATGTGACCTTTGAGGCAGTGGCACAGGCCTT-3'
Protein context (NP_079483.3, residues 165-185): SFSNRFTHVL[Thr175Ile]AGGIGPTHDD

ClinVar aggregate classification (germline): Uncertain significance. Review status: criteria provided, multiple submitters, no conflicts (2 of 4 stars). 2 submissions from 2 submitters: Uncertain significance (2). Last evaluated 2025-11-11.

Conditions:
Inborn genetic diseases. Identifiers: MedGen C0950123, MeSH D030342.

gnomAD v4.1: 5 of 1,614,236 alleles (0.00031%); highest among the groups gnomAD compares: Non-Finnish European, 0.00042%; no homozygotes.

Submissions (2):

Ambry Genetics
Classification: Uncertain significance for Inborn genetic diseases. Last evaluated: 2025-11-11. Review status: criteria provided, single submitter. Criteria: Ambry Variant Classification Scheme 2023. Collection method: clinical testing. Allele origin: germline.

Labcorp Genetics (formerly Invitae), Labcorp
Classification: Uncertain significance. Last evaluated: 2024-10-16. Review status: criteria provided, single submitter. Criteria: Invitae Variant Classification Sherloc (09022015). Collection method: clinical testing. Allele origin: germline.
Comment: This sequence change replaces threonine, which is neutral and polar, with isoleucine, which is neutral and non-polar, at codon 175 of the FLAD1 protein (p.Thr175Ile). This variant is present in population databases (rs756018287, gnomAD 0.003%). This variant has not been reported in the literature in individuals affected with FLAD1-related conditions. An algorithm developed to predict the effect of missense changes on protein structure and function (PolyPhen-2) suggests that this variant is likely to be disruptive. In summary, the available evidence is currently insufficient to determine the role of this variant in disease. Therefore, it has been classified as a Variant of Uncertain Significance.